The following is an entry in ClinVar:

ClinVar aggregate classification (germline): Conflicting classifications of pathogenicity. Review status: criteria provided, conflicting classifications (1 of 4 stars). 7 submissions from 7 submitters: Uncertain significance (4); Likely benign (3). Last evaluated 2026-01-27.

Conditions:
Inborn genetic diseases. Identifiers: MedGen C0950123, MeSH D030342.
Retinal dystrophy. Also called: Inherited retinal dystrophy. Identifiers: Orphanet 71862, MedGen C0854723, MeSH D058499, MONDO:0019118, HP:0000556.
Retinitis pigmentosa (RP). Identifiers: Orphanet 791, MedGen C0035334, MeSH D012174, MONDO:0019200, OMIM 268000. Inheritance: Autosomal dominant, autosomal recessive and X linked inheritance.
ADAMTS18-related disorder. Also called: ADAMTS18-related condition.
Microcornea-myopic chorioretinal atrophy. Also called: Microcornea, myopic chorioretinal atrophy, and telecanthus. Identifiers: Orphanet 369970, MedGen C3809567, MONDO:0014195, OMIM 615458.

Allele frequency attached by ClinVar (database versions not stated): 1000 Genomes Project 30x 0.00047; gnomAD 0.00058 and 0.00064; 1000 Genomes Project 0.00060; ESP Exome Variant Server 0.00062; ExAC 0.00072; gnomAD exomes 0.00076 and 0.00086; TOPMed 0.00083.
gnomAD v4.1: 1,225 of 1,614,170 alleles (0.076%); highest among the groups gnomAD compares: Middle Eastern, 0.45%; 2 homozygotes.

Submissions (7):

Labcorp Genetics (formerly Invitae), Labcorp
Classification: Likely benign. Last evaluated: 2026-01-27. Review status: criteria provided, single submitter. Criteria: Invitae Variant Classification Sherloc (09022015). Collection method: clinical testing. Allele origin: germline.

Ambry Genetics
Classification: Uncertain significance for Inborn genetic diseases. Last evaluated: 2026-01-09. Review status: criteria provided, single submitter. Criteria: Ambry Variant Classification Scheme 2023. Collection method: clinical testing. Allele origin: germline.
Comment: The c.2752A>G (p.K918E) alteration is located in exon 18 (coding exon 18) of the ADAMTS18 gene. This alteration results from a A to G substitution at nucleotide position 2752, causing the lysine (K) at amino acid position 918 to be replaced by a glutamic acid (E). Based on data from gnomAD, the G allele has an overall frequency of 0.08% (225/282836) total alleles studied. The highest observed frequency was 0.241% (25/10368) of Ashkenazi Jewish alleles. Based on insufficient or conflicting evidence, the clinical significance of this alteration remains unclear.

PreventionGenetics, part of Exact Sciences
Classification: Likely benign for ADAMTS18-related condition. Last evaluated: 2025-07-02. Review status: criteria provided, single submitter. Criteria: ACMG Guidelines, 2015. Collection method: clinical testing. Allele origin: germline.
Comment: This variant is classified as likely benign based on ACMG/AMP sequence variant interpretation guidelines (Richards et al. 2015 PMID: 25741868, with internal and published modifications).

Blueprint Genetics
Classification: Likely benign. Last evaluated: 2024-11-21. Review status: criteria provided, single submitter. Criteria: ACMG Guidelines, 2015. Collection method: clinical testing. Allele origin: germline.

Institute of Human Genetics, Univ. Regensburg, Univ. Regensburg
Classification: Uncertain significance for Retinal dystrophy. Last evaluated: 2023-01-01. Review status: criteria provided, single submitter. Criteria: ACMG Guidelines, 2015. Collection method: clinical testing. Allele origin: germline. Affected: yes.

DBGen Ocular Genomics
Classification: Uncertain significance for Retinitis pigmentosa. Last evaluated: 2021-05-31. Review status: criteria provided, single submitter. Criteria: ACMG Guidelines, 2015. Collection method: clinical testing. Allele origin: germline. Affected: yes. Observed: 1 variant allele.

Revvity Omics, Revvity
Classification: Uncertain significance for Microcornea-myopic chorioretinal atrophy. Last evaluated: 2019-03-29. Review status: criteria provided, single submitter. Criteria: ACMG Guidelines, 2015. Collection method: clinical testing. Allele origin: germline.

Literature cited by the submitters: PubMed 32483926 (cited by Institute of Human Genetics, Univ. Regensburg, Univ. Regensburg).

NM_199355.4(ADAMTS18):c.2752A>G (p.Lys918Glu)

Gene: ADAMTS18 (ADAM metallopeptidase with thrombospondin type 1 motif 18; minus strand). Cytogenetic location: 16q23.1.
Variant type: single nucleotide variant.
Coding change: c.2752A>G on transcript NM_199355.4 (MANE Select); coding-DNA position 2752, A replaced by G.
Protein change: p.Lys918Glu; replaces lysine 918 with glutamic acid.
Molecular consequence: missense variant.
Genome position (GRCh38, 1-based): chr16:77,297,338, T>C on the plus strand (A>G on the coding strand, the complement: ADAMTS18 is on the minus strand). VCF-style: chr16-77297338-T-C. GRCh37 (hg19) VCF-style: chr16-77331235-T-C.
Other names: c.2236A>G, p.Lys746Glu (NM_001326358.2); c.2752A>G (NM_199355.2); short protein forms K918E, K746E.
Identifiers: ClinVar variation 841541 (VCV000841541.18), dbSNP rs138435590, ClinGen allele CA8180759.
Genomic context (GRCh38, chr16:77,297,338, plus strand): 5'-AAATGACTTACTAAGCCGGGCAGGAGAAAGCGTTGCAGATTTTGGGCTCAGTTACTGGCT[T>C]GGTTTTTGCACTGCAGAATGAGGAATTGACTTGAGTATTTTGATCTCGCAAGCAAATGGC-3'
Protein context (NP_955387.1, residues 908-928): VNSSFCSAKT[Lys918Glu]PVTEPKICNA